The following is an entry in ClinVar:

ClinVar aggregate classification (germline): Uncertain significance (1 of 4 stars; one submission).

Conditions:
Paroxysmal nonkinesigenic dyskinesia. Also called: Paroxysmal non-kinesigenic dyskinesia. Identifiers: Orphanet 98810, MedGen C1869117, MONDO:0700088.

Allele frequency attached by ClinVar (database versions not stated): TOPMed 0.00002.
gnomAD v4.1: 27 of 1,612,674 alleles (0.0017%); highest among the groups gnomAD compares: Non-Finnish European, 0.002%; no homozygotes.

Submission:

Labcorp Genetics (formerly Invitae), Labcorp
Classification: Uncertain significance for Paroxysmal nonkinesigenic dyskinesia. Last evaluated: 2025-03-13. Review status: criteria provided, single submitter. Criteria: Invitae Variant Classification Sherloc (09022015). Collection method: clinical testing. Allele origin: germline.
Comment: This sequence change replaces proline, which is neutral and non-polar, with alanine, which is neutral and non-polar, at codon 148 of the PNKD protein (p.Pro148Ala). This variant is present in population databases (no rsID available, gnomAD 0.002%). This variant has not been reported in the literature in individuals affected with PNKD-related conditions. ClinVar contains an entry for this variant (Variation ID: 1035225). Invitae Evidence Modeling of protein sequence and biophysical properties (such as structural, functional, and spatial information, amino acid conservation, physicochemical variation, residue mobility, and thermodynamic stability) indicates that this missense variant is not expected to disrupt PNKD protein function with a negative predictive value of 80%. In summary, the available evidence is currently insufficient to determine the role of this variant in disease. Therefore, it has been classified as a Variant of Uncertain Significance.

NM_015488.5(PNKD):c.442C>G (p.Pro148Ala)

Genes: PNKD (PNKD metallo-beta-lactamase domain containing; plus strand), CATIP-AS2 (CATIP antisense RNA 2; minus strand). Cytogenetic location: 2q35.
Variant type: single nucleotide variant.
Coding change: c.442C>G on transcript NM_015488.5 (MANE Select); coding-DNA position 442, C replaced by G.
Protein change: p.Pro148Ala; replaces proline 148 with alanine.
Molecular consequence: missense variant.
Genome position (GRCh38, 1-based): chr2:218,340,118, C>G. VCF-style: chr2-218340118-C-G. GRCh37 (hg19) VCF-style: chr2-219204841-C-G.
Other names: c.370C>G, p.Pro124Ala (NM_022572.5); short protein forms P124A, P148A.
Identifiers: ClinVar variation 1035225 (VCV001035225.8), dbSNP rs545078283, ClinGen allele CA350538789.